The following is an entry in ClinVar:

NM_032043.3(BRIP1):c.3298G>T (p.Asp1100Tyr)

Gene: BRIP1 (BRCA1 interacting DNA helicase 1; minus strand). Cytogenetic location: 17q23.2.
Variant type: single nucleotide variant.
Coding change: c.3298G>T on transcript NM_032043.3 (MANE Select); coding-DNA position 3298, G replaced by T.
Protein change: p.Asp1100Tyr; replaces aspartic acid 1100 with tyrosine.
Molecular consequence: missense variant.
Genome position (GRCh38, 1-based): chr17:61,683,748, C>A on the plus strand (G>T on the coding strand, the complement: BRIP1 is on the minus strand). VCF-style: chr17-61683748-C-A. GRCh37 (hg19) VCF-style: chr17-59761109-C-A.
Other names: short protein forms D1100Y.
Identifiers: ClinVar variation 954593 (VCV000954593.10), dbSNP rs587781923, ClinGen allele CA400479034.

ClinVar aggregate classification (germline): Uncertain significance (1 of 4 stars; one submission).

Conditions:
Familial cancer of breast. Also called: Hereditary breast cancer; hereditary breast carcinoma; BREAST CANCER, FAMILIAL. Identifiers: Orphanet 227535, MedGen C0346153, MONDO:0016419, OMIM 114480. Disease mechanism: loss of function.
Fanconi anemia complementation group J. Also called: BRIP1-Related Fanconi Anemia. Identifiers: Orphanet 84, MedGen C1836860, MONDO:0012187, OMIM 609054.

Submission:

Labcorp Genetics (formerly Invitae), Labcorp
Classification: Uncertain significance for Familial cancer of breast; Fanconi anemia complementation group J. Last evaluated: 2019-10-22. Review status: criteria provided, single submitter. Criteria: Invitae Variant Classification Sherloc (09022015). Collection method: clinical testing. Allele origin: germline.
Comment: In summary, the available evidence is currently insufficient to determine the role of this variant in disease. Therefore, it has been classified as a Variant of Uncertain Significance. Algorithms developed to predict the effect of missense changes on protein structure and function are either unavailable or do not agree on the potential impact of this missense change (SIFT: "Tolerated"; PolyPhen-2: "Benign"; Align-GVGD: "Class C0"). This variant has not been reported in the literature in individuals with BRIP1-related conditions. This variant is not present in population databases (ExAC no frequency). This sequence change replaces aspartic acid with tyrosine at codon 1100 of the BRIP1 protein (p.Asp1100Tyr). The aspartic acid residue is weakly conserved and there is a large physicochemical difference between aspartic acid and tyrosine.